The following is an entry in ClinVar:

NM_024426.6(WT1):c.472GAG[3] (p.Glu159_Gln160insGlu)

Genes: WT1 (WT1 transcription factor; minus strand), LOC107982234 (WT1/WT1-AS bi-directional promoter region; plus strand). Cytogenetic location: 11p13.
Variant type: Microsatellite.
Coding change: c.472GAG[3] on transcript NM_024426.6 (MANE Select); three copies in a row of the 3-base unit GAG starting at c.472; the reference has two copies in a row; one copy, 3 bases duplicated.
Protein change: p.Glu159_Gln160insGlu.
Molecular consequence: non-coding transcript variant (on NR_160306.1).
Genome position (GRCh38, 1-based): chr11:32,434,884-32,434,886, CTC duplicated on the plus strand (GAG on the coding strand, the reverse complement: WT1 is on the minus strand); duplicating any 3 consecutive bases within chr11:32,434,884-32,434,889 gives the same sequence; the position shown is the placement nearest the transcript's 3' end. VCF-style (leftmost placement, unchanged base first): chr11-32434883-G-GCTC. GRCh37 (hg19) VCF-style: chr11-32456429-G-GCTC.
Other names: c.472GAG[3], p.Glu159_Gln160insGlu (NM_000378.6, NM_001407044.1, NM_001407045.1 and 6 more transcripts); c.253GAG[3], p.Glu86_Gln87insGlu (NM_001429031.1, NM_001429032.1, NM_001429033.1 and 1 more transcripts).
Identifiers: ClinVar variation 5032053 (VCV005032053.1).

ClinVar aggregate classification (germline): Uncertain significance (1 of 4 stars; one submission).

Conditions:
Inborn genetic diseases. Identifiers: MedGen C0950123, MeSH D030342.

Submission:

Ambry Genetics
Classification: Uncertain significance for Inborn genetic diseases. Last evaluated: 2026-08-10. Review status: criteria provided, single submitter. Criteria: Ambry Variant Classification Scheme 2023. Collection method: clinical testing. Allele origin: germline.
Comment: The c.460_462dupGAG variant (also known as p.E154dup), located in coding exon 1 of the WT1 gene, results from an in-frame duplication of GAG at nucleotide positions 460 to 462. This results in the duplication of an extra residue between codons 154 and 155. This amino acid position is not well conserved in available vertebrate species. In addition, this variant is predicted to be neutral by in silico analysis (Choi Y et al. PLoS ONE. 2012; 7(10):e46688). Based on the available evidence, the clinical significance of this variant remains unclear.